The following is an entry in ClinVar:

NM_017763.6(RNF43):c.66G>C (p.Gln22His)

Gene: RNF43 (ring finger protein 43; minus strand). Cytogenetic location: 17q22.
Variant type: single nucleotide variant.
Coding change: c.66G>C on transcript NM_017763.6 (MANE Select); coding-DNA position 66, G replaced by C.
Protein change: p.Gln22His; replaces glutamine 22 with histidine.
Molecular consequence: missense variant.
Genome position (GRCh38, 1-based): chr17:58,415,512, C>G on the plus strand (G>C on the coding strand, the complement: RNF43 is on the minus strand). VCF-style: chr17-58415512-C-G. GRCh37 (hg19) VCF-style: chr17-56492873-C-G.
Other names: c.66G>C, p.Gln22His (NM_001305544.3); c.66G>C (NM_017763.4); short protein forms Q22H.
Identifiers: ClinVar variation 3240367 (VCV003240367.3), dbSNP rs1443871334.
Genomic context (GRCh38, chr17:58,415,512, plus strand): 5'-TGCTGATCTTTCAGACTCCACCGCTGCTGCCAGTACCAGTCCTGTGCGTCCAAAGCCTGC[C>G]TGCAGGGTAGCCATCAGCAGCCAGGGCCAGAGGGCAGCCAGCTGCAGCTGGTGGCCACCA-3'
Protein context (NP_060233.3, residues 12-32): LWPWLLMATL[Gln22His]AGFGRTGLVL

ClinVar aggregate classification (germline): Uncertain significance. Review status: criteria provided, multiple submitters, no conflicts (2 of 4 stars). 3 submissions from 3 submitters: Uncertain significance (3). Last evaluated 2025-09-26.

Conditions:
Sessile serrated polyposis cancer syndrome (SSPCS). Identifiers: Orphanet 157798, MedGen C4310714, MONDO:0014919, OMIM 617108.

Allele frequency attached by ClinVar (database versions not stated): gnomAD exomes 0.00001; TOPMed 0.00001.
gnomAD v4.1: 11 of 1,612,792 alleles (0.00068%); highest among the groups gnomAD compares: Non-Finnish European, 0.00093%; no homozygotes.

Submissions (3):

Ambry Genetics
Classification: Uncertain significance. Last evaluated: 2025-09-26. Review status: criteria provided, single submitter. Criteria: Ambry Variant Classification Scheme 2023. Collection method: clinical testing. Allele origin: germline.
Comment: The p.Q22H variant (also known as c.66G>C), located in coding exon 1 of the RNF43 gene, results from a G to C substitution at nucleotide position 66. The glutamine at codon 22 is replaced by histidine, an amino acid with highly similar properties. This amino acid position is highly conserved in available vertebrate species. In addition, this alteration is predicted to be tolerated by in silico analysis. The evidence for this gene-disease relationship is limited; therefore, the clinical significance of this alteration is unclear.

Labcorp Genetics (formerly Invitae), Labcorp
Classification: Uncertain significance. Last evaluated: 2025-02-03. Review status: criteria provided, single submitter. Criteria: Invitae Variant Classification Sherloc (09022015). Collection method: clinical testing. Allele origin: germline.
Comment: This sequence change replaces glutamine, which is neutral and polar, with histidine, which is basic and polar, at codon 22 of the RNF43 protein (p.Gln22His). This variant is not present in population databases (gnomAD no frequency). This variant has not been reported in the literature in individuals affected with RNF43-related conditions. ClinVar contains an entry for this variant (Variation ID: 3240367). An algorithm developed to predict the effect of missense changes on protein structure and function outputs the following: PolyPhen-2: "Benign". The histidine amino acid residue is found in multiple mammalian species, which suggests that this missense change does not adversely affect protein function. Algorithms developed to predict the effect of sequence changes on RNA splicing suggest that this variant may create or strengthen a splice site. In summary, the available evidence is currently insufficient to determine the role of this variant in disease. Therefore, it has been classified as a Variant of Uncertain Significance.

Baylor Genetics
Classification: Uncertain significance for Sessile serrated polyposis cancer syndrome. Last evaluated: 2024-01-10. Review status: criteria provided, single submitter. Criteria: ACMG Guidelines, 2015. Collection method: clinical testing. Allele origin: unknown.